The following is an entry in ClinVar:

ClinVar aggregate classification (germline): Uncertain significance (1 of 4 stars; one submission).

Conditions:
Aicardi-Goutieres syndrome 7 (AGS7). Identifiers: Orphanet 51, MedGen C3888244, MONDO:0014367, OMIM 615846.
Singleton-Merten syndrome 1 (SGMRT1). Also called: Widened medullary cavities of bone, aortic calcification, abnormal dentition, and muscular weakness; Syndrome of widened medullary cavities of the metacarpals and phalanges, aortic calcification and abnormal dentition. Identifiers: Orphanet 85191, MedGen C4225427, MONDO:0024535, OMIM 182250.

Allele frequency attached by ClinVar (database versions not stated): gnomAD exomes below 0.00001; ExAC 0.00001.

Submission:

Labcorp Genetics (formerly Invitae), Labcorp
Classification: Uncertain significance for Aicardi-Goutieres syndrome 7; Singleton-Merten syndrome 1. Last evaluated: 2025-08-21. Review status: criteria provided, single submitter. Criteria: Invitae Variant Classification Sherloc (09022015). Collection method: clinical testing. Allele origin: germline.
Comment: This sequence change replaces leucine, which is neutral and non-polar, with arginine, which is basic and polar, at codon 509 of the IFIH1 protein (p.Leu509Arg). This variant is present in population databases (rs770811079, gnomAD 0.0009%). This variant has not been reported in the literature in individuals affected with IFIH1-related conditions. This missense change has been observed in at least one individual who was not affected with IFIH1-related conditions (internal data). ClinVar contains an entry for this variant (Variation ID: 1386813). An algorithm developed to predict the effect of missense changes on protein structure and function (PolyPhen-2) suggests that this variant is likely to be tolerated. In summary, the available evidence is currently insufficient to determine the role of this variant in disease. Therefore, it has been classified as a Variant of Uncertain Significance.

NM_022168.4(IFIH1):c.1526T>G (p.Leu509Arg)

Gene: IFIH1 (interferon induced with helicase C domain 1; minus strand). Cytogenetic location: 2q24.2.
Variant type: single nucleotide variant.
Coding change: c.1526T>G on transcript NM_022168.4 (MANE Select); coding-DNA position 1526, T replaced by G.
Protein change: p.Leu509Arg; replaces leucine 509 with arginine.
Molecular consequence: missense variant.
Genome position (GRCh38, 1-based): chr2:162,280,111, A>C on the plus strand (T>G on the coding strand, the complement: IFIH1 is on the minus strand). VCF-style: chr2-162280111-A-C. GRCh37 (hg19) VCF-style: chr2-163136621-A-C.
Other names: short protein forms L509R.
Identifiers: ClinVar variation 1386813 (VCV001386813.6), dbSNP rs770811079, ClinGen allele CA1934491.
Genomic context (GRCh38, chr2:162,280,111, plus strand): 5'-TTCAGTTGATCAAGGTTTTCTTTAACAGTTTTAATAGTAAATGCATCAAGATTGGCACAT[A>C]GCTGGAAAAGAGACATTTTTCAATATTTATGCAATTATTTTTCCCTTTCACTTTATTCAA-3'
Protein context (NP_071451.2, residues 499-519): QAKAEEHILK[Leu509Arg]CANLDAFTIK